The following is an entry in ClinVar:

NM_015443.4(KANSL1):c.2524G>A (p.Val842Ile)

Gene: KANSL1 (KAT8 regulatory NSL complex subunit 1). Cytogenetic location: 17q21.31.
Variant type: single nucleotide variant.
Coding change: c.2524G>A on transcript NM_015443.4 (MANE Select); coding-DNA position 2524, G replaced by A.
Protein change: p.Val842Ile; replaces valine 842 with isoleucine.
Molecular consequence: missense variant.
Genome position (GRCh38, 1-based): chr17:46,038,555, C>T on the plus strand (G>A on the coding strand, the complement: KANSL1 is on the minus strand). VCF-style: chr17-46038555-C-T. GRCh37 (hg19) VCF-style: chr17-44115921-C-T.
Other names: c.2524G>A, p.Val842Ile (NM_001193465.2, NM_001193466.2, NM_001379198.1); short protein forms V842I.
Identifiers: ClinVar variation 380631 (VCV000380631.19), dbSNP rs758243969, ClinGen allele CA8618546.

ClinVar aggregate classification (germline): Conflicting classifications of pathogenicity. Review status: criteria provided, conflicting classifications (1 of 4 stars). 4 submissions from 4 submitters: Uncertain significance (2); Likely benign (2). Last evaluated 2025-11-01.

Conditions:
Koolen-de Vries syndrome (KDVS). Identifiers: Orphanet 96169, MedGen C1864871, MONDO:0012496, OMIM 610443.

Allele frequency attached by ClinVar (database versions not stated): ExAC 0.00005.
gnomAD v4.1: 22 of 1,614,032 alleles (0.0014%); highest among the groups gnomAD compares: South Asian, 0.023%; no homozygotes.

Submissions (4):

CeGaT Center for Human Genetics Tuebingen
Classification: Likely benign. Last evaluated: 2025-11-01. Review status: criteria provided, single submitter. Criteria: CeGaT Center For Human Genetics Tuebingen Variant Classification Criteria Version 2. Collection method: clinical testing. Allele origin: germline. Affected: yes. Observed: 1 variant allele.
Comment: KANSL1: BP4

Labcorp Genetics (formerly Invitae), Labcorp
Classification: Uncertain significance for Koolen-de Vries syndrome. Last evaluated: 2024-10-22. Review status: criteria provided, single submitter. Criteria: Invitae Variant Classification Sherloc (09022015). Collection method: clinical testing. Allele origin: germline.
Comment: This sequence change replaces valine, which is neutral and non-polar, with isoleucine, which is neutral and non-polar, at codon 842 of the KANSL1 protein (p.Val842Ile). This variant is present in population databases (rs758243969, gnomAD 0.04%). This variant has not been reported in the literature in individuals affected with KANSL1-related conditions. ClinVar contains an entry for this variant (Variation ID: 380631). An algorithm developed to predict the effect of missense changes on protein structure and function (PolyPhen-2) suggests that this variant is likely to be tolerated. In summary, the available evidence is currently insufficient to determine the role of this variant in disease. Therefore, it has been classified as a Variant of Uncertain Significance.

Fulgent Genetics
Classification: Uncertain significance for Koolen-de Vries syndrome. Last evaluated: 2024-06-24. Review status: criteria provided, single submitter. Criteria: ACMG Guidelines, 2015. Collection method: clinical testing. Allele origin: germline.

GeneDx
Classification: Likely benign. Last evaluated: 2015-09-17. Review status: criteria provided, single submitter. Criteria: GeneDx Variant Classification (06012015). Collection method: clinical testing. Allele origin: germline. Affected: yes.
Comment: This variant is considered likely benign or benign based on one or more of the following criteria: it is a conservative change, it occurs at a poorly conserved position in the protein, it is predicted to be benign by multiple in silico algorithms, and/or has population frequency not consistent with disease.